The following is an entry in ClinVar:

ClinVar aggregate classification (germline): Uncertain significance (1 of 4 stars; one submission).

Conditions:
Pyogenic bacterial infections due to MyD88 deficiency (IMD68). Also called: PYOGENIC BACTERIAL INFECTIONS, RECURRENT, DUE TO MYD88 DEFICIENCY. Identifiers: Orphanet 183713, MedGen C2677092, MONDO:0012839, OMIM 612260.

Allele frequency attached by ClinVar (database versions not stated): gnomAD exomes below 0.00001.
gnomAD v4.1: 3 of 1,613,742 alleles (0.00019%); highest among the groups gnomAD compares: South Asian, 0.0022%; no homozygotes.

Submission:

Labcorp Genetics (formerly Invitae), Labcorp
Classification: Uncertain significance for Pyogenic bacterial infections due to MyD88 deficiency. Last evaluated: 2021-08-31. Review status: criteria provided, single submitter. Criteria: Invitae Variant Classification Sherloc (09022015). Collection method: clinical testing. Allele origin: germline.
Comment: This sequence change replaces threonine with arginine at codon 154 of the MYD88 protein (p.Thr154Arg). The threonine residue is highly conserved and there is a moderate physicochemical difference between threonine and arginine. This variant is not present in population databases (ExAC no frequency). This variant has not been reported in the literature in individuals affected with MYD88-related conditions. Algorithms developed to predict the effect of missense changes on protein structure and function are either unavailable or do not agree on the potential impact of this missense change (SIFT: "Deleterious"; PolyPhen-2: "Benign"; Align-GVGD: "Class C0"). In summary, the available evidence is currently insufficient to determine the role of this variant in disease. Therefore, it has been classified as a Variant of Uncertain Significance.

NM_002468.5(MYD88):c.422C>G (p.Thr141Arg)

Gene: MYD88 (MYD88 innate immune signal transduction adaptor; plus strand). Cytogenetic location: 3p22.2.
Variant type: single nucleotide variant.
Coding change: c.422C>G on transcript NM_002468.5 (MANE Select); coding-DNA position 422, C replaced by G.
Protein change: p.Thr141Arg; replaces threonine 141 with arginine.
Molecular consequence: missense variant. On other transcripts: intron variant (3).
Genome position (GRCh38, 1-based): chr3:38,139,957, C>G. VCF-style: chr3-38139957-C-G. GRCh37 (hg19) VCF-style: chr3-38181448-C-G.
Other names: c.422C>G, p.Thr141Arg (NM_001172567.2, NM_001172569.3, NM_001365876.1 and 1 more transcripts); c.329-431C>G (NM_001172568.2, NM_001365877.1); c.329-800C>G (NM_001172566.2); short protein forms T141R.
Identifiers: ClinVar variation 1018824 (VCV001018824.2), dbSNP rs1701033534, ClinGen allele CA352130667.
Genomic context (GRCh38, chr3:38,139,957, plus strand): 5'-AGCAGGAGGAGGCTGAGAAGCCTTTACAGGTGGCCGCTGTAGACAGCAGTGTCCCACGGA[C>G]AGCAGAGCTGGCGGGCATCACCACACTTGATGACCCCCTGGGTAAGGGTCCAATACTGTT-3'
Protein context (NP_002459.3, residues 131-151): VAAVDSSVPR[Thr141Arg]AELAGITTLD